The following is an entry in ClinVar:

NM_032607.3(CREB3L3):c.341A>G (p.His114Arg)

Gene: CREB3L3 (cAMP responsive element binding protein 3 like 3; plus strand). Cytogenetic location: 19p13.3.
Variant type: single nucleotide variant.
Coding change: c.341A>G on transcript NM_032607.3 (MANE Select); coding-DNA position 341, A replaced by G.
Protein change: p.His114Arg; replaces histidine 114 with arginine.
Molecular consequence: missense variant.
Genome position (GRCh38, 1-based): chr19:4,157,179, A>G. VCF-style: chr19-4157179-A-G. GRCh37 (hg19) VCF-style: chr19-4157176-A-G.
Other names: c.338A>G, p.His113Arg (NM_001271995.2); c.341A>G, p.His114Arg (NM_001271996.2, NM_001271997.2); short protein forms H113R, H114R.
Identifiers: ClinVar variation 4775827 (VCV004775827.1).

ClinVar aggregate classification (germline): Uncertain significance (1 of 4 stars; one submission).

gnomAD v4.1: 1 of 1,613,716 alleles (0.000062%); highest among the groups gnomAD compares: Admixed American, 0.0017%; no homozygotes.

Submission:

Labcorp Genetics (formerly Invitae), Labcorp
Classification: Uncertain significance. Last evaluated: 2025-03-26. Review status: criteria provided, single submitter. Criteria: Invitae Variant Classification Sherloc (09022015). Collection method: clinical testing. Allele origin: germline.
Comment: This sequence change replaces histidine, which is basic and polar, with arginine, which is basic and polar, at codon 114 of the CREB3L3 protein (p.His114Arg). This variant is not present in population databases (gnomAD no frequency). This variant has not been reported in the literature in individuals affected with CREB3L3-related conditions. Invitae Evidence Modeling of protein sequence and biophysical properties (such as structural, functional, and spatial information, amino acid conservation, physicochemical variation, residue mobility, and thermodynamic stability) indicates that this missense variant is not expected to disrupt CREB3L3 protein function with a negative predictive value of 80%. In summary, the available evidence is currently insufficient to determine the role of this variant in disease. Therefore, it has been classified as a Variant of Uncertain Significance.